The following is an entry in ClinVar:

ClinVar aggregate classification (germline): Pathogenic/Likely pathogenic. Review status: criteria provided, multiple submitters, no conflicts (2 of 4 stars). 2 submissions from 2 submitters: Pathogenic (1); Likely pathogenic (1). Last evaluated 2024-05-23.

Conditions:
MYBPC3-related disorder. Also called: MYBPC3-related condition; MYBPC3-related disease; MYBPC3-related disorders.
Hypertrophic cardiomyopathy 4. Also called: Familial hypertrophic cardiomyopathy 4. Identifiers: MedGen C1861862, MONDO:0007268, OMIM 115197.

Submissions (2):

Blueprint Genetics
Classification: Likely pathogenic for MYBPC3-related disorders. Last evaluated: 2024-05-23. Review status: criteria provided, single submitter. Criteria: ACMG Guidelines, 2015. Collection method: clinical testing. Allele origin: germline. Affected: yes. Observed: 3 variant alleles.

Victorian Clinical Genetics Services, Murdoch Childrens Research Institute
Classification: Pathogenic for Hypertrophic cardiomyopathy 4. Last evaluated: 2022-09-02. Review status: criteria provided, single submitter. Criteria: ACMG Guidelines, 2015. Collection method: clinical testing. Allele origin: germline. Inheritance: Autosomal dominant inheritance. Affected: yes.
Comment: Based on the classification scheme VCGS_Germline_v1.3.4, this variant is classified as Pathogenic. Following criteria are met: 0102 - Loss of function is a known mechanism of disease in this gene and is associated with hypertrophic cardiomyopathy 4 (HCM; MIM#115197). (I) 0108 - This gene is associated with both recessive and dominant disease. Dominant inheritance is frequently reported in adult onset conditions, however recessive inheritance results in a more severe early onset phenotype (OMIM). (I) 0115 - Variants in this gene are known to have variable expressivity (PMID: 32841044). (I) 0201 - Variant is predicted to cause nonsense-mediated decay (NMD) and loss of protein (premature termination codon is located at least 54 nucleotides upstream of the final exon-exon junction). (SP) 0251 - This variant is heterozygous. (I) 0301 - Variant is absent from gnomAD (both v2 and v3). (SP) 0701 - Other premature termination variants comparable to the one identified in this case have very strong previous evidence for pathogenicity. Many NMD-predicted variants in this gene have been reported as likely pathogenic/pathogenic (ClinVar). (SP) 0803 - This variant has limited previous evidence of pathogenicity in an unrelated individual. (I) 1208 - Inheritance information for this variant is not currently available in this individual. (I) Legend: (SP) - Supporting pathogenic, (I) - Information, (SB) - Supporting benign

Literature cited by the submitters: PubMed 32841044 (cited by Victorian Clinical Genetics Services, Murdoch Childrens Research Institute).

NM_000256.3(MYBPC3):c.1855G>T (p.Glu619Ter)

Gene: MYBPC3 (myosin binding protein C3; minus strand). Cytogenetic location: 11p11.2.
Variant type: single nucleotide variant.
Coding change: c.1855G>T on transcript NM_000256.3 (MANE Select); coding-DNA position 1855, G replaced by T.
Protein change: p.Glu619Ter; replaces glutamic acid 619 with a stop codon.
Molecular consequence: nonsense.
Genome position (GRCh38, 1-based): chr11:47,341,180, C>A on the plus strand (G>T on the coding strand, the complement: MYBPC3 is on the minus strand). VCF-style: chr11-47341180-C-A. GRCh37 (hg19) VCF-style: chr11-47362731-C-A.
Other names: short protein forms E619*.
Identifiers: ClinVar variation 3376641 (VCV003376641.2).